The following is an entry in ClinVar:

ClinVar aggregate classification (germline): Conflicting classifications of pathogenicity. Review status: criteria provided, conflicting classifications (1 of 4 stars). 3 submissions from 3 submitters: Uncertain significance (2); Likely benign (1). Last evaluated 2025-01-15.

Conditions:
Hereditary cancer-predisposing syndrome. Also called: Neoplastic Syndromes, Hereditary; Hereditary Cancer Syndrome; Hereditary neoplastic syndrome; Tumor predisposition. Identifiers: Orphanet 140162, MedGen C0027672, MeSH D009386, MONDO:0015356.
Cardiovascular phenotype. Identifiers: MedGen CN230736.
Juvenile myelomonocytic leukemia (JMML). Also called: LEUKEMIA, JUVENILE MYELOMONOCYTIC, SOMATIC. Identifiers: Orphanet 86834, MedGen C0349639, MONDO:0011908, OMIM 607785, HP:0012209.
Neurofibromatosis, type 1 (NF1). Also called: NEUROFIBROMATOSIS, TYPE I, SOMATIC; VON RECKLINGHAUSEN DISEASE; Neurofibromatosis, type I; Peripheral type neurofibromatosis. Identifiers: Orphanet 636, MedGen C0027831, MONDO:0018975, OMIM 162200. Disease mechanism: loss of function.

Submissions (3):

Ambry Genetics
Classification: Likely benign for Cardiovascular phenotype; Hereditary cancer-predisposing syndrome. Last evaluated: 2025-01-15. Review status: criteria provided, single submitter. Criteria: Ambry Variant Classification Scheme 2023. Collection method: clinical testing. Allele origin: germline.

Baylor Genetics
Classification: Uncertain significance for Juvenile myelomonocytic leukemia. Last evaluated: 2023-10-03. Review status: criteria provided, single submitter. Criteria: ACMG Guidelines, 2015. Collection method: clinical testing. Allele origin: unknown.

Labcorp Genetics (formerly Invitae), Labcorp
Classification: Uncertain significance for Neurofibromatosis, type 1. Last evaluated: 2021-03-09. Review status: criteria provided, single submitter. Criteria: Invitae Variant Classification Sherloc (09022015). Collection method: clinical testing. Allele origin: germline.
Comment: In summary, this variant is a novel missense change with uncertain impact on protein function. It has been classified as a Variant of Uncertain Significance. Algorithms developed to predict the effect of missense changes on protein structure and function do not agree on the potential impact of this missense change (SIFT: "Deleterious"; PolyPhen-2: "Benign"; Align-GVGD: "Class C0"). This variant is not present in population databases (ExAC no frequency) and has not been reported in the literature in individuals with an NF1-related disease. This sequence change replaces cysteine with arginine at codon 2787 of the NF1 protein (p.Cys2787Arg). The cysteine residue is weakly conserved and there is a large physicochemical difference between cysteine and arginine.

NM_001042492.3(NF1):c.8422T>C (p.Cys2808Arg)

Gene: NF1 (neurofibromin 1; plus strand). Cytogenetic location: 17q11.2.
Variant type: single nucleotide variant.
Coding change: c.8422T>C on transcript NM_001042492.3 (MANE Select); coding-DNA position 8422, T replaced by C.
Protein change: p.Cys2808Arg; replaces cysteine 2808 with arginine.
Molecular consequence: missense variant.
Genome position (GRCh38, 1-based): chr17:31,374,057, T>C. VCF-style: chr17-31374057-T-C. GRCh37 (hg19) VCF-style: chr17-29701075-T-C.
Other names: c.8359T>C, p.Cys2787Arg (NM_000267.4); short protein forms C2808R, C2787R.
Identifiers: ClinVar variation 646131 (VCV000646131.9), dbSNP rs1597883056, ClinGen allele CA399205941.